The following is an entry in ClinVar:

ClinVar aggregate classification (germline): Conflicting classifications of pathogenicity. Review status: criteria provided, conflicting classifications (1 of 4 stars). 4 submissions from 4 submitters: Uncertain significance (1); Benign (3). Last evaluated 2026-01-28.

Conditions:
Myoclonic dystonia 11 (DYT11). Also called: SGCE Myoclonus-Dystonia; DYT-SGCE; Myoclonus-Dystonia; Myoclonic dystonia; Dystonia 11; Dystonia, alcohol responsive. Identifiers: Orphanet 36899, MedGen C1834570, MONDO:0008044, OMIM 159900.

Allele frequency attached by ClinVar (database versions not stated): 1000 Genomes Project 30x 0.00187; TOPMed 0.00080; 1000 Genomes Project 0.00160; gnomAD 0.00105; ESP Exome Variant Server 0.00100.
gnomAD v4.1: 257 of 1,614,112 alleles (0.016%); highest among the groups gnomAD compares: African/African-American, 0.27%; 1 homozygote.

Submissions (4):

Labcorp Genetics (formerly Invitae), Labcorp
Classification: Benign for Myoclonic dystonia 11. Last evaluated: 2026-01-28. Review status: criteria provided, single submitter. Criteria: Invitae Variant Classification Sherloc (09022015). Collection method: clinical testing. Allele origin: germline.

Illumina Laboratory Services, Illumina
Classification: Benign for Myoclonic dystonia 11. Last evaluated: 2018-01-13. Review status: criteria provided, single submitter. Criteria: ICSL Variant Classification Criteria 13 December 2019. Collection method: clinical testing. Allele origin: germline.
Comment: This variant was observed in the ICSL laboratory as part of a predisposition screen in an ostensibly healthy population. It had not been previously curated by ICSL or reported in the Human Gene Mutation Database (HGMD: prior to June 1st, 2018), and was therefore a candidate for classification through an automated scoring system. Utilizing variant allele frequency, disease prevalence and penetrance estimates, and inheritance mode, an automated score was calculated to assess if this variant is too frequent to cause the disease. Based on the score and internal cut-off values, a variant classified as benign is not then subjected to further curation. The score for this variant resulted in a classification of benign for this disease.

Athena Diagnostics
Classification: Benign. Last evaluated: 2016-09-19. Review status: criteria provided, single submitter. Criteria: Athena Diagnostics Criteria. Collection method: clinical testing. Allele origin: germline.

Eurofins Ntd Llc (ga)
Classification: Uncertain significance. Last evaluated: 2013-08-01. Review status: criteria provided, single submitter. Criteria: EGL Classification Definitions 2015. Collection method: clinical testing. Allele origin: germline. Observed: 1 variant allele, 1 heterozygote.

NM_003919.3(SGCE):c.606A>G (p.Thr202=)

Genes: CASD1 (CAS1 domain sialic acid O acetyltransferase 1; plus strand), SGCE (sarcoglycan epsilon; minus strand). Cytogenetic location: 7q21.3.
Variant type: single nucleotide variant.
Coding change: c.606A>G on transcript NM_003919.3 (MANE Select); coding-DNA position 606, A replaced by G.
Protein change: p.Thr202=; no amino-acid change (threonine 202 retained).
Molecular consequence: synonymous variant.
Genome position (GRCh38, 1-based): chr7:94,618,814, T>C on the plus strand (A>G on the coding strand, the complement: SGCE is on the minus strand). VCF-style: chr7-94618814-T-C. GRCh37 (hg19) VCF-style: chr7-94248126-T-C.
Other names: c.606A>G, p.Thr202= (NM_001099400.2, NM_001099401.2, NM_001346717.2); c.483A>G, p.Thr161= (NM_001301139.2, NM_001362809.2); c.714A>G, p.Thr238= (NM_001346713.2, NM_001346715.2); c.519A>G, p.Thr173= (NM_001346719.2, NM_001362807.2); c.333A>G, p.Thr111= (NM_001346720.2, NM_001362808.2).
Identifiers: ClinVar variation 94383 (VCV000094383.19), dbSNP rs148979783, ClinGen allele CA222236.